The following is an entry in ClinVar:

ClinVar aggregate classification (germline): Uncertain significance (1 of 4 stars; one submission).

Conditions:
Epileptic encephalopathy. Identifiers: MedGen C0543888, HP:0200134.

Submission:

Labcorp Genetics (formerly Invitae), Labcorp
Classification: Uncertain significance for Epileptic encephalopathy. Last evaluated: 2022-10-27. Review status: criteria provided, single submitter. Criteria: Invitae Variant Classification Sherloc (09022015). Collection method: clinical testing. Allele origin: germline.
Comment: In summary, the available evidence is currently insufficient to determine the role of this variant in disease. Therefore, it has been classified as a Variant of Uncertain Significance. Algorithms developed to predict the effect of missense changes on protein structure and function are either unavailable or do not agree on the potential impact of this missense change (SIFT: "Deleterious"; PolyPhen-2: "Benign"; Align-GVGD: "Class C25"). This variant has not been reported in the literature in individuals affected with GABBR2-related conditions. This variant is not present in population databases (gnomAD no frequency). This sequence change replaces asparagine, which is neutral and polar, with lysine, which is basic and polar, at codon 842 of the GABBR2 protein (p.Asn842Lys).

NM_005458.8(GABBR2):c.2526C>G (p.Asn842Lys)

Gene: GABBR2 (gamma-aminobutyric acid type B receptor subunit 2; minus strand). Cytogenetic location: 9q22.33.
Variant type: single nucleotide variant.
Coding change: c.2526C>G on transcript NM_005458.8 (MANE Select); coding-DNA position 2526, C replaced by G.
Protein change: p.Asn842Lys; replaces asparagine 842 with lysine.
Molecular consequence: missense variant.
Genome position (GRCh38, 1-based): chr9:98,299,240, G>C on the plus strand (C>G on the coding strand, the complement: GABBR2 is on the minus strand). VCF-style: chr9-98299240-G-C. GRCh37 (hg19) VCF-style: chr9-101061522-G-C.
Other names: short protein forms N842K.
Identifiers: ClinVar variation 2810264 (VCV002810264.3), dbSNP rs1830430122, ClinGen allele CA374193392.
Genomic context (GRCh38, chr9:98,299,240, plus strand): 5'-GAAACCAAGGTCCCTACCACATTCTGGGGCCCTGGCTCTCTTACCTGTGCTCTCAGTGAA[G>C]TTTCCCAGGTTGAGGATGTCATTGAGCTCTTGGTAGTGGTTCTGTTTAATGTAGGTGGTC-3'
Protein context (NP_005449.5, residues 832-852): QELNDILNLG[Asn842Lys]FTESTDGGKA